The following is an entry in ClinVar:

NM_032119.4(ADGRV1):c.4919A>G (p.Gln1640Arg)

Gene: ADGRV1 (adhesion G protein-coupled receptor V1; plus strand). Cytogenetic location: 5q14.3.
Variant type: single nucleotide variant.
Coding change: c.4919A>G on transcript NM_032119.4 (MANE Select); coding-DNA position 4919, A replaced by G.
Protein change: p.Gln1640Arg; replaces glutamine 1640 with arginine.
Molecular consequence: missense variant. On other transcripts: non-coding transcript variant (1).
Genome position (GRCh38, 1-based): chr5:90,672,712, A>G. VCF-style: chr5-90672712-A-G. GRCh37 (hg19) VCF-style: chr5-89968529-A-G.
Other names: short protein forms Q1640R.
Identifiers: ClinVar variation 1715426 (VCV001715426.5), dbSNP rs2530705080, ClinGen allele CA360407234.
Genomic context (GRCh38, chr5:90,672,712, plus strand): 5'-TTAATTACCTTGTTGATGACTTTGCTAATGCCAGTGGAACTATTACATTCCTTCCTTGGC[A>G]GAGATCAGAGGTAAACCCTACCTTTTTTGTTCCTTTGAAAGCCTCCTGGAAAGCTTTTCC-3'
Protein context (NP_115495.3, residues 1630-1650): ASGTITFLPW[Gln1640Arg]RSEVLNIYVL

ClinVar aggregate classification (germline): Uncertain significance (1 of 4 stars; one submission).

Allele frequency attached by ClinVar (database versions not stated): gnomAD exomes below 0.00001.
gnomAD v4.1: 1 of 1,611,504 alleles (0.000062%); highest among the groups gnomAD compares: Non-Finnish European, 0.000085%; no homozygotes.

Submission:

Labcorp Genetics (formerly Invitae), Labcorp
Classification: Uncertain significance. Last evaluated: 2022-07-19. Review status: criteria provided, single submitter. Criteria: Invitae Variant Classification Sherloc (09022015). Collection method: clinical testing. Allele origin: germline.
Comment: In summary, the available evidence is currently insufficient to determine the role of this variant in disease. Therefore, it has been classified as a Variant of Uncertain Significance. Algorithms developed to predict the effect of missense changes on protein structure and function are either unavailable or do not agree on the potential impact of this missense change (SIFT: "Deleterious"; PolyPhen-2: "Probably Damaging"; Align-GVGD: "Class C0"). This variant has not been reported in the literature in individuals affected with ADGRV1-related conditions. This variant is not present in population databases (gnomAD no frequency). This sequence change replaces glutamine, which is neutral and polar, with arginine, which is basic and polar, at codon 1640 of the ADGRV1 protein (p.Gln1640Arg).